The following is an entry in ClinVar:

ClinVar aggregate classification (germline): Uncertain significance (1 of 4 stars; one submission).

Submission:

GeneDx
Classification: Uncertain significance. Last evaluated: 2026-04-01. Review status: criteria provided, single submitter. Criteria: GeneDx Variant Classification Process June 2021. Collection method: clinical testing. Allele origin: germline.
Comment: Not observed at significant frequency in large population cohorts (gnomAD); In silico analysis supports that this missense variant has a deleterious effect on protein structure/function; Has not been previously published as pathogenic or benign to our knowledge

NM_001123385.2(BCOR):c.3052C>T (p.Arg1018Cys)

Gene: BCOR (BCL6 corepressor; minus strand). Cytogenetic location: Xp11.4.
Variant type: single nucleotide variant.
Coding change: c.3052C>T on transcript NM_001123385.2 (MANE Select); coding-DNA position 3052, C replaced by T.
Protein change: p.Arg1018Cys; replaces arginine 1018 with cysteine.
Molecular consequence: missense variant.
Genome position (GRCh38, 1-based): chrX:40,071,159, G>A on the plus strand (C>T on the coding strand, the complement: BCOR is on the minus strand). VCF-style: chrX-40071159-G-A. GRCh37 (hg19) VCF-style: chrX-39930412-G-A.
Other names: c.3052C>T, p.Arg1018Cys (NM_001123383.2, NM_001437510.1, NM_001437511.1 and 2 more transcripts); c.2998C>T, p.Arg1000Cys (NM_001123384.2, NM_001438207.1); short protein forms R1000C, R1018C.
Identifiers: ClinVar variation 5018086 (VCV005018086.1).
Genomic context (GRCh38, chrX:40,071,159, plus strand): 5'-TTGCTGGGTGGCCACCTTCTCTTTCTTTCATCTCCAACTCTGAGAAGCGCATCATTGCAC[G>A]CTAGAAAGAGAACGGAGATGGAAAAAAAAAAAAACAACACCTTACCATAAAAGCTATTTC-3'
Protein context (NP_001116857.1, residues 1008-1028): ILCLPAAYCE[Arg1018Cys]AMMRFSELEM